The following is an entry in ClinVar:

NM_000138.5(FBN1):c.6879T>G (p.Asn2293Lys)

Gene: FBN1 (fibrillin 1; minus strand). Cytogenetic location: 15q21.1.
Variant type: single nucleotide variant.
Coding change: c.6879T>G on transcript NM_000138.5 (MANE Select); coding-DNA position 6879, T replaced by G.
Protein change: p.Asn2293Lys; replaces asparagine 2293 with lysine.
Molecular consequence: missense variant.
Genome position (GRCh38, 1-based): chr15:48,428,464, A>C on the plus strand (T>G on the coding strand, the complement: FBN1 is on the minus strand). VCF-style: chr15-48428464-A-C. GRCh37 (hg19) VCF-style: chr15-48720661-A-C.
Other names: c.6879T>G, p.Asn2293Lys (NM_001406716.1); short protein forms N2293K.
Identifiers: ClinVar variation 2948974 (VCV002948974.3), dbSNP rs2505415466, ClinGen allele CA392330931.
Genomic context (GRCh38, chr15:48,428,464, plus strand): 5'-GCTCCCACGGGTGTTGAGGCAGCGCCCATTCTCACAGATCCCTGGCTTCGTCTGACATTC[A>C]TTCTCATCTGTTTGATTTTATTGAAGGACCAAAAACAAGAAGAGTCATCTGACCATTTTA-3'
Protein context (NP_000129.3, residues 2283-2303): RPDGEGCVDE[Asn2293Lys]ECQTKPGICE

ClinVar aggregate classification (germline): Uncertain significance (1 of 4 stars; one submission).

Conditions:
Marfan syndrome (MFS). Also called: MARFAN SYNDROME, TYPE I; Marfan syndrome type 1; Marfan's syndrome; Marfan syndrome, classic; FBN1-Related Marfan Syndrome. Identifiers: Orphanet 284963, Orphanet 558, MedGen C0024796, MONDO:0007947, OMIM 154700.
Familial thoracic aortic aneurysm and aortic dissection (TAAD). Also called: Thoracic aortic aneurysms and dissections. Identifiers: Orphanet 91387, MedGen C4707243, MONDO:0019625.

Submission:

Labcorp Genetics (formerly Invitae), Labcorp
Classification: Uncertain significance for Marfan syndrome; Familial thoracic aortic aneurysm and aortic dissection. Last evaluated: 2023-08-06. Review status: criteria provided, single submitter. Criteria: Invitae Variant Classification Sherloc (09022015). Collection method: clinical testing. Allele origin: germline.
Comment: Advanced modeling of protein sequence and biophysical properties (such as structural, functional, and spatial information, amino acid conservation, physicochemical variation, residue mobility, and thermodynamic stability) performed at Invitae indicates that this missense variant is expected to disrupt FBN1 protein function. This sequence change replaces asparagine, which is neutral and polar, with lysine, which is basic and polar, at codon 2293 of the FBN1 protein (p.Asn2293Lys). This variant is not present in population databases (gnomAD no frequency). This missense change has been observed in individual(s) with clinical features of Marfan syndrome (Invitae). In summary, the available evidence is currently insufficient to determine the role of this variant in disease. Therefore, it has been classified as a Variant of Uncertain Significance.